The following is an entry in ClinVar:

NM_000350.3(ABCA4):c.3330C>A (p.Gly1110=)

Gene: ABCA4 (ATP binding cassette subfamily A member 4; minus strand). Cytogenetic location: 1p22.1.
Variant type: single nucleotide variant.
Coding change: c.3330C>A on transcript NM_000350.3 (MANE Select); coding-DNA position 3330, C replaced by A.
Protein change: p.Gly1110=; no amino-acid change (glycine 1110 retained).
Molecular consequence: synonymous variant.
Genome position (GRCh38, 1-based): chr1:94,041,401, G>T on the plus strand (C>A on the coding strand, the complement: ABCA4 is on the minus strand). VCF-style: chr1-94041401-G-T. GRCh37 (hg19) VCF-style: chr1-94506957-G-T.
Other names: c.3108C>A, p.Gly1036= (NM_001425324.1); c.3330C>A (NM_000350.2).
Identifiers: ClinVar variation 1141438 (VCV001141438.12), dbSNP rs762909447, ClinGen allele CA957960.

ClinVar aggregate classification (germline): Conflicting classifications of pathogenicity. Review status: criteria provided, conflicting classifications (1 of 4 stars). 4 submissions from 4 submitters: Uncertain significance (1); Likely benign (3). Last evaluated 2026-07-29.

Conditions:
Inborn genetic diseases. Identifiers: MedGen C0950123, MeSH D030342.

Submissions (4):

Ambry Genetics
Classification: Likely benign for Inborn genetic diseases. Last evaluated: 2026-07-29. Review status: criteria provided, single submitter. Criteria: Ambry Variant Classification Scheme 2023. Collection method: clinical testing. Allele origin: germline.

Labcorp Genetics (formerly Invitae), Labcorp
Classification: Likely benign. Last evaluated: 2024-11-11. Review status: criteria provided, single submitter. Criteria: Invitae Variant Classification Sherloc (09022015). Collection method: clinical testing. Allele origin: germline.

Women's Health and Genetics/Laboratory Corporation of America, LabCorp
Classification: Uncertain significance. Last evaluated: 2024-04-17. Review status: criteria provided, single submitter. Criteria: LabCorp Variant Classification Summary - May 2015. Collection method: clinical testing. Allele origin: germline.
Comment: Variant summary: ABCA4 c.3330C>A (p.Gly1110Gly) alters a non-conserved nucleotide located close to a canonical splice site and therefore could affect mRNA splicing, leading to a significantly altered protein sequence. Consensus agreement among computation tools predict no significant impact on normal splicing. However, these predictions have yet to be confirmed by functional studies. The variant allele was found at a frequency of 1.2e-05 in 251416 control chromosomes. The available data on variant occurrences in the general population are insufficient to allow any conclusion about variant significance. c.3330C>A has been reported in the literature in individuals affected with Stargardt Disease (Cornelis_2022). These report(s) do not provide unequivocal conclusions about association of the variant with Stargardt Disease. To our knowledge, no experimental evidence demonstrating an impact on protein function has been reported. The following publication have been ascertained in the context of this evaluation (PMID: 35120629). ClinVar contains an entry for this variant (Variation ID: 1141438). Based on the evidence outlined above, the variant was classified as uncertain significance.

Blueprint Genetics
Classification: Likely benign. Last evaluated: 2022-04-01. Review status: criteria provided, single submitter. Criteria: ACMG Guidelines, 2015. Collection method: clinical testing. Allele origin: germline.

Literature cited by the submitters: PubMed 35120629 (cited by Women's Health and Genetics/Laboratory Corporation of America, LabCorp).